The following is an entry in ClinVar:

NM_000059.4(BRCA2):c.9097A>G (p.Thr3033Ala)

Gene: BRCA2 (BRCA2 DNA repair associated; plus strand). Cytogenetic location: 13q13.1.
Variant type: single nucleotide variant.
Coding change: c.9097A>G on transcript NM_000059.4 (MANE Select); coding-DNA position 9097, A replaced by G.
Protein change: p.Thr3033Ala; replaces threonine 3033 with alanine.
Molecular consequence: missense variant.
Genome position (GRCh38, 1-based): chr13:32,379,893, A>G. VCF-style: chr13-32379893-A-G. GRCh37 (hg19) VCF-style: chr13-32954030-A-G.
Other names: short protein forms T3033A.
Identifiers: ClinVar variation 1487446 (VCV001487446.9), dbSNP rs766308212, ClinGen allele CA387757674.

ClinVar aggregate classification (germline): Conflicting classifications of pathogenicity. Review status: criteria provided, conflicting classifications (1 of 4 stars). 2 submissions from 2 submitters: Uncertain significance (1); Likely benign (1). Last evaluated 2025-05-15.

Conditions:
Hereditary cancer-predisposing syndrome. Also called: Hereditary neoplastic syndrome; Neoplastic Syndromes, Hereditary; Hereditary Cancer Syndrome; Tumor predisposition. Identifiers: Orphanet 140162, MedGen C0027672, MeSH D009386, MONDO:0015356.
Hereditary breast ovarian cancer syndrome. Also called: Hereditary breast and/or ovarian cancer syndrome; Hereditary breast and ovarian cancer syndrome (HBOC); Breast and ovarian cancer; Hereditary breast and ovarian cancer; Hereditary breast and ovarian cancer syndrome; BRCA1- and BRCA2-Associated Hereditary Breast and Ovarian Cancer. Identifiers: Orphanet 145, MedGen C0677776, MeSH D061325, MONDO:0003582. Disease mechanism: loss of function.

gnomAD v4.1: 1 of 1,613,806 alleles (0.000062%); highest among the groups gnomAD compares: Non-Finnish European, 0.000085%; no homozygotes.

Submissions (2):

Ambry Genetics
Classification: Likely benign for Hereditary cancer-predisposing syndrome. Last evaluated: 2025-05-15. Review status: criteria provided, single submitter. Criteria: Ambry Variant Classification Scheme 2023. Collection method: clinical testing. Allele origin: germline.

Labcorp Genetics (formerly Invitae), Labcorp
Classification: Uncertain significance for Hereditary breast ovarian cancer syndrome. Last evaluated: 2023-10-22. Review status: criteria provided, single submitter. Criteria: Invitae Variant Classification Sherloc (09022015). Collection method: clinical testing. Allele origin: germline.
Comment: This sequence change replaces threonine, which is neutral and polar, with alanine, which is neutral and non-polar, at codon 3033 of the BRCA2 protein (p.Thr3033Ala). This variant is not present in population databases (gnomAD no frequency). This variant has not been reported in the literature in individuals affected with BRCA2-related conditions. ClinVar contains an entry for this variant (Variation ID: 1487446). Advanced modeling of protein sequence and biophysical properties (such as structural, functional, and spatial information, amino acid conservation, physicochemical variation, residue mobility, and thermodynamic stability) performed at Invitae indicates that this missense variant is not expected to disrupt BRCA2 protein function. In summary, the available evidence is currently insufficient to determine the role of this variant in disease. Therefore, it has been classified as a Variant of Uncertain Significance.